The following is an entry in ClinVar:

ClinVar aggregate classification (germline): Uncertain significance. Review status: criteria provided, multiple submitters, no conflicts (2 of 4 stars). 3 submissions from 3 submitters: Uncertain significance (3). Last evaluated 2024-11-26.

Conditions:
Inborn genetic diseases. Identifiers: MedGen C0950123, MeSH D030342.

Allele frequency attached by ClinVar (database versions not stated): gnomAD 0.00001; gnomAD exomes 0.00002.
gnomAD v4.1: 31 of 1,551,706 alleles (0.002%); highest among the groups gnomAD compares: Non-Finnish European, 0.0023%; no homozygotes.

Submissions (3):

Ambry Genetics
Classification: Uncertain significance for Inborn genetic diseases. Last evaluated: 2024-11-26. Review status: criteria provided, single submitter. Criteria: Ambry Variant Classification Scheme 2023. Collection method: clinical testing. Allele origin: germline.

Labcorp Genetics (formerly Invitae), Labcorp
Classification: Uncertain significance. Last evaluated: 2021-08-31. Review status: criteria provided, single submitter. Criteria: Invitae Variant Classification Sherloc (09022015). Collection method: clinical testing. Allele origin: germline.
Comment: This sequence change replaces proline with leucine at codon 2929 of the EYS protein (p.Pro2929Leu). The proline residue is highly conserved and there is a moderate physicochemical difference between proline and leucine. This variant is not present in population databases (ExAC no frequency). This variant has not been reported in the literature in individuals affected with EYS-related conditions. Algorithms developed to predict the effect of missense changes on protein structure and function are either unavailable or do not agree on the potential impact of this missense change (SIFT: "Deleterious"; PolyPhen-2: "Possibly Damaging"; Align-GVGD: "Class C0"). In summary, the available evidence is currently insufficient to determine the role of this variant in disease. Therefore, it has been classified as a Variant of Uncertain Significance.

Blueprint Genetics
Classification: Uncertain significance. Last evaluated: 2021-02-15. Review status: criteria provided, single submitter. Criteria: ACMG Guidelines, 2015. Collection method: clinical testing. Allele origin: germline.

NM_001142800.2(EYS):c.8786C>T (p.Pro2929Leu)

Genes: EYS (EGF-like photoreceptor maintenance factor; minus strand), PHF3 (PHD finger protein 3; plus strand). Cytogenetic location: 6q12.
Variant type: single nucleotide variant.
Coding change: c.8786C>T on transcript NM_001142800.2 (MANE Select); coding-DNA position 8786, C replaced by T.
Protein change: p.Pro2929Leu; replaces proline 2929 with leucine.
Molecular consequence: missense variant. On other transcripts: 3 prime UTR variant (5).
Genome position (GRCh38, 1-based): chr6:63,721,245, G>A on the plus strand (C>T on the coding strand, the complement: EYS is on the minus strand). VCF-style: chr6-63721245-G-A. GRCh37 (hg19) VCF-style: chr6-64431141-G-A.
Other names: c.8786C>T (NM_001142800.1); c.*7537G>A (NM_001290259.2, NM_001370348.2, NM_001370349.2 and 2 more transcripts); c.8849C>T, p.Pro2950Leu (NM_001292009.2); short protein forms P2950L, P2929L.
Identifiers: ClinVar variation 2176318 (VCV002176318.3), dbSNP rs986819755, ClinGen allele CA140236826.
Genomic context (GRCh38, chr6:63,721,245, plus strand): 5'-TCACAATACCTTCCCACCCAACCCAAAGTACACAGGCAACTGTAAGAAAATGATTGGTCA[G>A]GTATACATAAAGATTGGTGGAGGCAAAGATTATTCAAACAGGACACAGACTGGTTACATG-3'
Protein context (NP_001136272.1, residues 2919-2939): NLCLHQSLCI[Pro2929Leu]DQSFSYSCLC